The following is an entry in ClinVar:

ClinVar aggregate classification (germline): Uncertain significance. Review status: criteria provided, multiple submitters, no conflicts (2 of 4 stars). 2 submissions from 2 submitters: Uncertain significance (2). Last evaluated 2024-09-02.

Conditions:
Inborn genetic diseases. Identifiers: MedGen C0950123, MeSH D030342.

Allele frequency attached by ClinVar (database versions not stated): gnomAD exomes below 0.00001 and 0.00001; ExAC 0.00001; gnomAD 0.00002; TOPMed 0.00002.
gnomAD v4.1: 8 of 1,613,798 alleles (0.0005%); highest among the groups gnomAD compares: African/African-American, 0.0053%; no homozygotes.

Submissions (2):

Ambry Genetics
Classification: Uncertain significance for Inborn genetic diseases. Last evaluated: 2024-09-02. Review status: criteria provided, single submitter. Criteria: Ambry Variant Classification Scheme 2023. Collection method: clinical testing. Allele origin: germline.

Labcorp Genetics (formerly Invitae), Labcorp
Classification: Uncertain significance. Last evaluated: 2023-10-03. Review status: criteria provided, single submitter. Criteria: Invitae Variant Classification Sherloc (09022015). Collection method: clinical testing. Allele origin: germline.
Comment: This sequence change replaces asparagine, which is neutral and polar, with serine, which is neutral and polar, at codon 267 of the TSPAN12 protein (p.Asn267Ser). The frequency data for this variant in the population databases is considered unreliable, as metrics indicate poor data quality at this position in the gnomAD database. This variant has not been reported in the literature in individuals affected with TSPAN12-related conditions. ClinVar contains an entry for this variant (Variation ID: 1041159). An algorithm developed to predict the effect of missense changes on protein structure and function (PolyPhen-2) suggests that this variant is likely to be tolerated. In summary, the available evidence is currently insufficient to determine the role of this variant in disease. Therefore, it has been classified as a Variant of Uncertain Significance.

NM_012338.4(TSPAN12):c.800A>G (p.Asn267Ser)

Gene: TSPAN12 (tetraspanin 12; minus strand). Cytogenetic location: 7q31.31.
Variant type: single nucleotide variant.
Coding change: c.800A>G on transcript NM_012338.4 (MANE Select); coding-DNA position 800, A replaced by G.
Protein change: p.Asn267Ser; replaces asparagine 267 with serine.
Molecular consequence: missense variant.
Genome position (GRCh38, 1-based): chr7:120,788,710, T>C on the plus strand (A>G on the coding strand, the complement: TSPAN12 is on the minus strand). VCF-style: chr7-120788710-T-C. GRCh37 (hg19) VCF-style: chr7-120428764-T-C.
Other names: c.800A>G (NM_012338.3); short protein forms N267S.
Identifiers: ClinVar variation 1041159 (VCV001041159.9), dbSNP rs764062837, ClinGen allele CA4453800.
Genomic context (GRCh38, chr7:120,788,710, plus strand): 5'-AAGATTCTTGACAGGCTTGGTTTCAACAGTTCTACTGAGGGACATGACAGGTGCTGAGAG[T>C]TGTCATTCTTCAAGGACATCATTTGGTCTGTCCCCGGCTCCCTTCTATCATAATACAGAG-3'
Protein context (NP_036470.1, residues 257-277): TDQMMSLKND[Asn267Ser]SQHLSCPSVE